The following is an entry in ClinVar:

NM_001985.3(ETFB):c.706G>C (p.Gly236Arg)

Gene: ETFB (electron transfer flavoprotein subunit beta; minus strand). Cytogenetic location: 19q13.41.
Variant type: single nucleotide variant.
Coding change: c.706G>C on transcript NM_001985.3 (MANE Select); coding-DNA position 706, G replaced by C.
Protein change: p.Gly236Arg; replaces glycine 236 with arginine.
Molecular consequence: missense variant.
Genome position (GRCh38, 1-based): chr19:51,345,273, C>G on the plus strand (G>C on the coding strand, the complement: ETFB is on the minus strand). VCF-style: chr19-51345273-C-G. GRCh37 (hg19) VCF-style: chr19-51848527-C-G.
Other names: c.979G>C, p.Gly327Arg (NM_001014763.1); short protein forms G327R, G236R.
Identifiers: ClinVar variation 2701649 (VCV002701649.3), dbSNP rs375326450, ClinGen allele CA407080695.

ClinVar aggregate classification (germline): Uncertain significance (1 of 4 stars; one submission).

Conditions:
Multiple acyl-CoA dehydrogenase deficiency (MADD). Also called: Glutaric aciduria, type 2; Glutaric acidemia type II; GA 2; ETHYLMALONIC-ADIPICACIDURIA; GA II; Glutaric Acidemia type 2. Identifiers: Orphanet 26791, MedGen C0268596, MONDO:0009282, OMIM 231680.

Submission:

Labcorp Genetics (formerly Invitae), Labcorp
Classification: Uncertain significance for Multiple acyl-CoA dehydrogenase deficiency. Last evaluated: 2024-11-05. Review status: criteria provided, single submitter. Criteria: Invitae Variant Classification Sherloc (09022015). Collection method: clinical testing. Allele origin: germline.
Comment: This sequence change replaces glycine, which is neutral and non-polar, with arginine, which is basic and polar, at codon 236 of the ETFB protein (p.Gly236Arg). This variant is not present in population databases (gnomAD no frequency). This variant has not been reported in the literature in individuals affected with ETFB-related conditions. ClinVar contains an entry for this variant (Variation ID: 2701649). Invitae Evidence Modeling of protein sequence and biophysical properties (such as structural, functional, and spatial information, amino acid conservation, physicochemical variation, residue mobility, and thermodynamic stability) indicates that this missense variant is expected to disrupt ETFB protein function with a positive predictive value of 95%. In summary, the available evidence is currently insufficient to determine the role of this variant in disease. Therefore, it has been classified as a Variant of Uncertain Significance.